The following is an entry in ClinVar:

ClinVar aggregate classification (germline): Pathogenic (1 of 4 stars; one submission).

Conditions:
X-linked agammaglobulinemia with growth hormone deficiency (IGHD3). Also called: Isolated growth hormone deficiency type 3; Growth hormone deficiency with hypogammaglobulinemia; AGAMMAGLOBULINEMIA AND ISOLATED GROWTH HORMONE DEFICIENCY, X-LINKED; FLEISHER SYNDROME; HYPOGAMMAGLOBULINEMIA AND ISOLATED GROWTH HORMONE DEFICIENCY, X-LINKED; IGHD III. Identifiers: Orphanet 231692, Orphanet 631, MedGen C0472813, MONDO:0010615, OMIM 307200.

Submission:

Labcorp Genetics (formerly Invitae), Labcorp
Classification: Pathogenic for X-linked agammaglobulinemia with growth hormone deficiency. Last evaluated: 2024-06-22. Review status: criteria provided, single submitter. Criteria: Invitae Variant Classification Sherloc (09022015). Collection method: clinical testing. Allele origin: germline.
Comment: This sequence change creates a premature translational stop signal (p.Glu567Lysfs*3) in the BTK gene. It is expected to result in an absent or disrupted protein product. Loss-of-function variants in BTK are known to be pathogenic (PMID: 15661032, 16862044, 19419768). This variant is not present in population databases (gnomAD no frequency). This premature translational stop signal has been observed in individual(s) with X-Linked Agammaglobulinemia (PMID: 9545398). Algorithms developed to predict the effect of sequence changes on RNA splicing suggest that this variant may disrupt the consensus splice site. For these reasons, this variant has been classified as Pathogenic.

Literature cited by the submitters: PubMed 15661032; PubMed 16862044; PubMed 19419768; PubMed 9545398.

NM_000061.3(BTK):c.1699del (p.Glu567fs)

Gene: BTK (Bruton tyrosine kinase; minus strand). Cytogenetic location: Xq22.1.
Variant type: Deletion.
Coding change: c.1699del on transcript NM_000061.3 (MANE Select); coding-DNA position 1699, one base deleted (G; older notation c.1699delG).
Protein change: p.Glu567fs; shifts the reading frame from glutamic acid 567.
Molecular consequence: frameshift variant.
Genome position (GRCh38, 1-based): chrX:101,353,921, C deleted on the plus strand (G on the coding strand, the reverse complement: BTK is on the minus strand); the first of 2 consecutive C bases (chrX:101,353,921-101,353,922); deleting either gives the same sequence. VCF-style (leftmost placement, unchanged base first): chrX-101353920-TC-T. GRCh37 (hg19) VCF-style: chrX-100608908-TC-T.
Other names: c.1801del, p.Glu601fs (NM_001287344.2); c.1171del, p.Glu391fs (NM_001287345.2); short protein forms E391fs, E567fs, E601fs.
Identifiers: ClinVar variation 3724299 (VCV003724299.2).
Genomic context (GRCh38, chrX:101,353,920, plus strand): 5'-ATCCACTTACCAAAAGCCCAAATGTCAGATTTGCTGCTGAACTTGCTATACATCAGGACT[TC>T]CGGTGGGGACCACCGGACTGGAAATTTGGAGCCTACTGAGCTTGTGTATTCATCATCCAG-3'